The following is an entry in ClinVar:

ClinVar aggregate classification (germline): Benign. Review status: criteria provided, multiple submitters, no conflicts (2 of 4 stars). 4 submissions from 4 submitters: Benign (4). Last evaluated 2026-02-02.

Conditions:
Immunodeficiency 104. Also called: IMMUNODEFICIENCY 104, SEVERE COMBINED; Severe combined immunodeficiency, autosomal recessive, T cell-negative, B cell-positive, NK cell-positive; SCID, AUTOSOMAL RECESSIVE, T CELL-NEGATIVE, B CELL-POSITIVE, NK CELL-POSITIVE; Severe Combined Immune Deficiency, Autosomal Recessive, TCell -Negative, B Cell-Positive, NK Cell-Positive, IL7R-Related. Identifiers: MedGen C5676890, MONDO:0012163, OMIM 608971.

Allele frequency attached by ClinVar (database versions not stated): gnomAD exomes 0.00784; ExAC 0.01004; 1000 Genomes Project 0.03015; ESP Exome Variant Server 0.03406; TOPMed 0.03422; gnomAD 0.03108 and 0.03352; 1000 Genomes Project 30x 0.03482.
gnomAD v4.1: 8,942 of 1,611,698 alleles (0.55%); highest among the groups gnomAD compares: African/African-American, 11%; 462 homozygotes.

Submissions (4):

Labcorp Genetics (formerly Invitae), Labcorp
Classification: Benign for Immunodeficiency 104. Last evaluated: 2026-02-02. Review status: criteria provided, single submitter. Criteria: Invitae Variant Classification Sherloc (09022015). Collection method: clinical testing. Allele origin: germline.

Illumina Laboratory Services, Illumina
Classification: Benign for Immunodeficiency 104. Last evaluated: 2018-01-13. Review status: criteria provided, single submitter. Criteria: ICSL Variant Classification Criteria 13 December 2019. Collection method: clinical testing. Allele origin: germline.
Comment: This variant was observed in the ICSL laboratory as part of a predisposition screen in an ostensibly healthy population. It had not been previously curated by ICSL or reported in the Human Gene Mutation Database (HGMD: prior to June 1st, 2018), and was therefore a candidate for classification through an automated scoring system. Utilizing variant allele frequency, disease prevalence and penetrance estimates, and inheritance mode, an automated score was calculated to assess if this variant is too frequent to cause the disease. Based on the score and internal cut-off values, a variant classified as benign is not then subjected to further curation. The score for this variant resulted in a classification of benign for this disease.

GeneDx
Classification: Benign. Last evaluated: 2013-01-18. Review status: criteria provided, single submitter. Criteria: GeneDx Variant Classification (06012015). Collection method: clinical testing. Allele origin: germline. Affected: yes.
Comment: This variant is considered likely benign or benign based on one or more of the following criteria: it is a conservative change, it occurs at a poorly conserved position in the protein, it is predicted to be benign by multiple in silico algorithms, and/or has population frequency not consistent with disease.

Breakthrough Genomics
Classification: Benign. Review status: criteria provided, single submitter. Criteria: ACMG Guidelines, 2015. Collection method: not provided. Allele origin: germline. Inheritance: Autosomal recessive inheritance. Affected: yes.

NM_002185.5(IL7R):c.538-14A>C

Gene: IL7R (interleukin 7 receptor; plus strand). Cytogenetic location: 5p13.2.
Variant type: single nucleotide variant.
Coding change: c.538-14A>C on transcript NM_002185.5 (MANE Select); 14 bases into the intron before coding-DNA position 538, A replaced by C.
Molecular consequence: intron variant.
Genome position (GRCh38, 1-based): chr5:35,873,466, A>C. VCF-style: chr5-35873466-A-C. GRCh37 (hg19) VCF-style: chr5-35873568-A-C.
Other names: c.538-14A>C (LRG_74t1).
Identifiers: ClinVar variation 137586 (VCV000137586.14), dbSNP rs11567763, ClinGen allele CA291244.